The following is an entry in ClinVar:

NM_001165963.4(SCN1A):c.4181_4182del (p.Thr1394fs)

Genes: SCN1A (sodium voltage-gated channel alpha subunit 1; minus strand), LOC102724058 (uncharacterized LOC102724058; plus strand). Cytogenetic location: 2q24.3.
Variant type: Deletion.
Coding change: c.4181_4182del on transcript NM_001165963.4 (MANE Select); coding-DNA positions 4181 to 4182, 2 bases deleted (CT; older notation c.4181_4182delCT).
Protein change: p.Thr1394fs; shifts the reading frame from threonine 1394.
Molecular consequence: frameshift variant. On other transcripts: non-coding transcript variant (1).
Genome position (GRCh38, 1-based): chr2:166,002,574-166,002,575, AG deleted on the plus strand (CT on the coding strand, the reverse complement: SCN1A is on the minus strand). VCF-style (leftmost placement, unchanged base first): chr2-166002573-CAG-C. GRCh37 (hg19) VCF-style: chr2-166859083-CAG-C.
Other names: c.4097_4098del, p.Thr1366fs (NM_001165964.3, NM_001353957.2, NM_001353958.2); c.4181_4182del, p.Thr1394fs (NM_001202435.3, NM_001353948.2); c.4148_4149del, p.Thr1383fs (NM_001353949.2, NM_001353950.2, NM_001353951.2 and 2 more transcripts); c.4145_4146del, p.Thr1382fs (NM_001353954.2, NM_001353955.2); c.4094_4095del, p.Thr1365fs (NM_001353960.2); c.1739_1740del, p.Thr580fs (NM_001353961.2); short protein forms T1366fs, T1383fs, T1365fs, T580fs, T1382fs, T1394fs.
Identifiers: ClinVar variation 937781 (VCV000937781.8), dbSNP rs1691052813, ClinGen allele CA1139655720.

ClinVar aggregate classification (germline): Pathogenic (1 of 4 stars; one submission).

Conditions:
Early-infantile DEE. Also called: Early infantile epileptic encephalopathy; Ohtahara syndrome; Early infantile epileptic encephalopathy with suppression bursts. Identifiers: Orphanet 1934, MedGen C0393706, MONDO:0800491.

Submission:

Labcorp Genetics (formerly Invitae), Labcorp
Classification: Pathogenic for Early-infantile DEE. Last evaluated: 2020-01-27. Review status: criteria provided, single submitter. Criteria: Invitae Variant Classification Sherloc (09022015). Collection method: clinical testing. Allele origin: germline.
Comment: Loss-of-function variants in SCN1A are known to be pathogenic (PMID: 17347258, 18930999). For these reasons, this variant has been classified as Pathogenic. This variant has not been reported in the literature in individuals with SCN1A-related conditions. This sequence change creates a premature translational stop signal (p.Thr1394Argfs*10) in the SCN1A gene. It is expected to result in an absent or disrupted protein product. This variant is not present in population databases (ExAC no frequency).

Literature cited by the submitters: PubMed 17347258; PubMed 18930999.